The following is an entry in ClinVar:

ClinVar aggregate classification (germline): Uncertain significance. Review status: criteria provided, multiple submitters, no conflicts (2 of 4 stars). 2 submissions from 2 submitters: Uncertain significance (2). Last evaluated 2026-08-31.

Conditions:
Severe early-onset pulmonary alveolar proteinosis due to MARS deficiency. Also called: PULMONARY ALVEOLAR PROTEINOSIS, REUNION ISLAND; Interstitial lung and liver disease. Identifiers: Orphanet 440427, MedGen C4225400, MONDO:0014206, OMIM 615486.
Charcot-Marie-Tooth disease axonal type 2U. Also called: CHARCOT-MARIE-TOOTH NEUROPATHY, TYPE 2U; CHARCOT-MARIE-TOOTH DISEASE, AXONAL, AUTOSOMAL DOMINANT, TYPE 2U. Identifiers: Orphanet 397735, MedGen C4084821, MONDO:0014566, OMIM 616280.
MARS1-related disorder. Also called: MARS1-related condition.

Allele frequency attached by ClinVar (database versions not stated): TOPMed 0.00001; gnomAD 0.00002; gnomAD exomes 0.00002; ExAC 0.00004; 1000 Genomes Project 0.00020; 1000 Genomes Project 30x 0.00031.
gnomAD v4.1: 37 of 1,614,218 alleles (0.0023%); highest among the groups gnomAD compares: Admixed American, 0.005%; 1 homozygote.

Submissions (2):

PreventionGenetics, part of Exact Sciences
Classification: Uncertain significance for MARS1-related condition. Last evaluated: 2026-08-31. Review status: criteria provided, single submitter. Criteria: ACMG Guidelines, 2015. Collection method: clinical testing. Allele origin: germline.
Comment: The MARS1 c.1907C>T variant is predicted to result in the amino acid substitution p.Thr636Met. To our knowledge, this variant has not been reported in the literature. This variant is reported in 0.0058% of alleles in individuals of Latino descent in gnomAD. At this time, the clinical significance of this variant is uncertain due to the absence of conclusive functional and genetic evidence.

Labcorp Genetics (formerly Invitae), Labcorp
Classification: Uncertain significance for Charcot-Marie-Tooth disease axonal type 2U; Severe early-onset pulmonary alveolar proteinosis due to MARS deficiency. Last evaluated: 2024-08-24. Review status: criteria provided, single submitter. Criteria: Invitae Variant Classification Sherloc (09022015). Collection method: clinical testing. Allele origin: germline.
Comment: This sequence change replaces threonine, which is neutral and polar, with methionine, which is neutral and non-polar, at codon 636 of the MARS protein (p.Thr636Met). This variant is present in population databases (rs145038492, gnomAD 0.006%). This variant has not been reported in the literature in individuals affected with MARS-related conditions. ClinVar contains an entry for this variant (Variation ID: 2037924). An algorithm developed to predict the effect of missense changes on protein structure and function (PolyPhen-2) suggests that this variant is likely to be disruptive. In summary, the available evidence is currently insufficient to determine the role of this variant in disease. Therefore, it has been classified as a Variant of Uncertain Significance.

NM_004990.4(MARS1):c.1907C>T (p.Thr636Met)

Gene: MARS1 (methionyl-tRNA synthetase 1; plus strand). Cytogenetic location: 12q13.3.
Variant type: single nucleotide variant.
Coding change: c.1907C>T on transcript NM_004990.4 (MANE Select); coding-DNA position 1907, C replaced by T.
Protein change: p.Thr636Met; replaces threonine 636 with methionine.
Molecular consequence: missense variant.
Genome position (GRCh38, 1-based): chr12:57,512,904, C>T. VCF-style: chr12-57512904-C-T. GRCh37 (hg19) VCF-style: chr12-57906687-C-T.
Other names: c.1907C>T (NM_004990.3); short protein forms T636M.
Identifiers: ClinVar variation 2037924 (VCV002037924.5), dbSNP rs145038492, ClinGen allele CA6650646.
Genomic context (GRCh38, chr12:57,512,904, plus strand): 5'-TCTGGCGCTTCTATCTGCTGTACATTCGGCCTGAGGGCCAGGACAGTGCTTTCTCCTGGA[C>T]GGACCTGCTGCTGAAGAATAATTCTGAGCTGCTTAACAACCTGGGCAACTTCATCAACAG-3'
Protein context (NP_004981.2, residues 626-646): PEGQDSAFSW[Thr636Met]DLLLKNNSEL